The following is an entry in ClinVar:

ClinVar aggregate classification (germline): Benign/Likely benign. Review status: criteria provided, multiple submitters, no conflicts (2 of 4 stars). 11 submissions from 10 submitters: Benign (3); Likely benign (5). 3 of the submissions do not count toward it. Last evaluated 2026-01-28.

Conditions:
USH2A-related disorder. Also called: USH2A-related condition; USH2A-related disorders. Identifiers: MedGen CN239332.
Usher syndrome type 2A. Also called: USHER SYNDROME, TYPE IIA; RETINAL DISEASE IN USHER SYNDROME TYPE IIA, MODIFIER OF. Identifiers: Orphanet 231178, Orphanet 886, MedGen C1848634, MONDO:0010169, OMIM 276901.
Retinitis pigmentosa 39 (RP39). Identifiers: Orphanet 791, MedGen C3151138, MONDO:0013436, OMIM 613809.

Allele frequency attached by ClinVar (database versions not stated): ESP Exome Variant Server 0.00023; TOPMed 0.00032; gnomAD 0.00033 and 0.00034; ExAC 0.00045; gnomAD exomes 0.00059.
gnomAD v4.1: 504 of 1,613,624 alleles (0.031%); highest among the groups gnomAD compares: Admixed American, 0.015%; no homozygotes.

Submissions (11):

Labcorp Genetics (formerly Invitae), Labcorp
Classification: Benign. Last evaluated: 2026-01-28. Review status: criteria provided, single submitter. Criteria: Invitae Variant Classification Sherloc (09022015). Collection method: clinical testing. Allele origin: germline.

Blueprint Genetics
Classification: Benign. Last evaluated: 2024-11-06. Review status: criteria provided, single submitter. Criteria: ACMG Guidelines, 2015. Collection method: clinical testing. Allele origin: germline.

Genome-Nilou Lab
Classification: Likely benign for Retinitis pigmentosa 39. Last evaluated: 2023-11-04. Review status: criteria provided, single submitter. Criteria: ACMG Guidelines, 2015. Collection method: clinical testing. Allele origin: germline. Affected: no.

Genome-Nilou Lab
Classification: Likely benign for Usher syndrome type 2A. Last evaluated: 2023-11-04. Review status: criteria provided, single submitter. Criteria: ACMG Guidelines, 2015. Collection method: clinical testing. Allele origin: germline. Affected: no.

GeneDx
Classification: Likely benign. Last evaluated: 2020-11-03. Review status: criteria provided, single submitter. Criteria: GeneDx Variant Classification Process June 2021. Collection method: clinical testing. Allele origin: germline. Affected: yes.
Comment: This variant is associated with the following publications: (PMID: 25412400)

Mendelics
Classification: Benign for Usher syndrome type 2A. Last evaluated: 2019-05-28. Review status: criteria provided, single submitter. Criteria: Mendelics Assertion Criteria 2017. Collection method: clinical testing. Allele origin: unknown.

Laboratory for Molecular Medicine, Mass General Brigham Personalized Medicine
Classification: Likely benign. Last evaluated: 2014-10-20. Review status: criteria provided, single submitter. Criteria: LMM Criteria. Collection method: clinical testing. Allele origin: germline. Observed: 2 variant alleles.
Comment: p.Arg1870Gln in exon 28 of USH2A: This variant is not expected to have clinical significance due to a lack of conservation across species, including mammals. Of note, dolphin, killer whale, shrew, and manatee all have a glutamine (Gln) at t his position despite high nearby amino acid conservation. In addition, this vari ant has been identified in 3/8600 European American chromosomes by the NHLBI Exo me Sequencing Project and 0.2% (3/1323) of E uropean chromosomes by the ClinSeq project (dbSNP rs111033409).

Breakthrough Genomics
Classification: Likely benign. Review status: criteria provided, single submitter. Criteria: ACMG Guidelines, 2015. Collection method: not provided. Allele origin: germline. Inheritance: Autosomal recessive inheritance. Affected: yes.

PreventionGenetics, part of Exact Sciences
Classification: Likely benign for USH2A-related condition. Last evaluated: 2024-09-09. Review status: no assertion criteria provided. Collection method: clinical testing. Allele origin: germline. Not counted in ClinVar's aggregate classification.
Comment: This variant is classified as likely benign based on ACMG/AMP sequence variant interpretation guidelines (Richards et al. 2015 PMID: 25741868, with internal and published modifications).

Natera, Inc.
Classification: Likely benign for Usher syndrome type 2A. Last evaluated: 2019-12-14. Review status: no assertion criteria provided. Collection method: clinical testing. Allele origin: germline. Not counted in ClinVar's aggregate classification.

Counsyl
Classification: Likely benign for Usher syndrome type 2A; Retinitis pigmentosa 39. Last evaluated: 2017-11-08. Review status: no assertion criteria provided. Collection method: clinical testing. Allele origin: unknown. Not counted in ClinVar's aggregate classification.

Literature cited by the submitters: PubMed 25412400 (cited by Counsyl).

NM_206933.4(USH2A):c.5609G>A (p.Arg1870Gln)

Genes: USH2A-AS2 (USH2A antisense RNA 2; plus strand), USH2A (usherin; minus strand). Cytogenetic location: 1q41.
Variant type: single nucleotide variant.
Coding change: c.5609G>A on transcript NM_206933.4 (MANE Select); coding-DNA position 5609, G replaced by A.
Protein change: p.Arg1870Gln; replaces arginine 1870 with glutamine.
Molecular consequence: missense variant.
Genome position (GRCh38, 1-based): chr1:216,073,264, C>T on the plus strand (G>A on the coding strand, the complement: USH2A is on the minus strand). VCF-style: chr1-216073264-C-T. GRCh37 (hg19) VCF-style: chr1-216246606-C-T.
Other names: short protein forms R1870Q.
Identifiers: ClinVar variation 48536 (VCV000048536.21), dbSNP rs111033409, ClinGen allele CA143521.